The following is an entry in ClinVar:

NM_000435.3(NOTCH3):c.831G>A (p.Glu277=)

Gene: NOTCH3 (notch receptor 3; minus strand). Cytogenetic location: 19p13.12.
Variant type: single nucleotide variant.
Coding change: c.831G>A on transcript NM_000435.3 (MANE Select); coding-DNA position 831, G replaced by A.
Protein change: p.Glu277=; no amino-acid change (glutamic acid 277 retained).
Molecular consequence: synonymous variant.
Genome position (GRCh38, 1-based): chr19:15,191,629, C>T on the plus strand (G>A on the coding strand, the complement: NOTCH3 is on the minus strand). VCF-style: chr19-15191629-C-T. GRCh37 (hg19) VCF-style: chr19-15302440-C-T.
Other names: p.Glu277=.
Identifiers: ClinVar variation 706004 (VCV000706004.55), dbSNP rs145049433, ClinGen allele CA9263769.

ClinVar aggregate classification (germline): Likely benign. Review status: criteria provided, multiple submitters, no conflicts (2 of 4 stars). 6 submissions from 6 submitters: Likely benign (5). 1 of the submissions does not count toward it. Last evaluated 2025-09-09.

Conditions:
Cerebral arteriopathy, autosomal dominant, with subcortical infarcts and leukoencephalopathy, type 1 (CADASIL1). Also called: DEMENTIA, HEREDITARY MULTIINFARCT TYPE; CADASIL 1; CASIL; Cerebral arteriopathy with subcortical infarcts and leukoencephalopathy 1. Identifiers: Orphanet 136, MedGen C4551768, MONDO:0000914, OMIM 125310.
NOTCH3-related disorder. Also called: NOTCH3-related disorders; NOTCH3-related condition.

Allele frequency attached by ClinVar (database versions not stated): ExAC 0.00010; gnomAD exomes 0.00011 and 0.00030; TOPMed 0.00012; ESP Exome Variant Server 0.00015; gnomAD 0.00019 and 0.00021.
gnomAD v4.1: 467 of 1,613,552 alleles (0.029%); highest among the groups gnomAD compares: Non-Finnish European, 0.037%; no homozygotes.

Submissions (6):

Mayo Clinic Laboratories, Mayo Clinic
Classification: Likely benign. Last evaluated: 2025-09-09. Review status: criteria provided, single submitter. Criteria: ACMG Guidelines, 2015. Collection method: clinical testing. Allele origin: germline. Observed: 2 variant alleles.
Comment: BS2, BP4, BP7

CeGaT Center for Human Genetics Tuebingen
Classification: Likely benign. Last evaluated: 2025-02-01. Review status: criteria provided, single submitter. Criteria: CeGaT Center For Human Genetics Tuebingen Variant Classification Criteria Version 2. Collection method: clinical testing. Allele origin: germline. Affected: yes. Observed: 3 variant alleles.
Comment: NOTCH3: BP4, BP7

Labcorp Genetics (formerly Invitae), Labcorp
Classification: Likely benign. Last evaluated: 2024-06-06. Review status: criteria provided, single submitter. Criteria: Invitae Variant Classification Sherloc (09022015). Collection method: clinical testing. Allele origin: germline.

Blueprint Genetics
Classification: Likely benign. Last evaluated: 2023-11-23. Review status: criteria provided, single submitter. Criteria: ACMG Guidelines, 2015. Collection method: clinical testing. Allele origin: germline.

Illumina Laboratory Services, Illumina
Classification: Likely benign for Cerebral arteriopathy, autosomal dominant, with subcortical infarcts and leukoencephalopathy, type 1. Last evaluated: 2018-01-13. Review status: criteria provided, single submitter. Criteria: ICSL Variant Classification Criteria 13 December 2019. Collection method: clinical testing. Allele origin: germline.
Comment: This variant was observed in the ICSL laboratory as part of a predisposition screen in an ostensibly healthy population. It had not been previously curated by ICSL or reported in the Human Gene Mutation Database (HGMD: prior to June 1st, 2018), and was therefore a candidate for classification through an automated scoring system. Utilizing variant allele frequency, disease prevalence and penetrance estimates, and inheritance mode, an automated score was calculated to assess if this variant is too frequent to cause the disease. Based on the score and internal cut-off values, a variant classified as likely benign is not then subjected to further curation. The score for this variant resulted in a classification of likely benign for this disease.

PreventionGenetics, part of Exact Sciences
Classification: Likely benign for NOTCH3-related condition. Last evaluated: 2020-02-20. Review status: no assertion criteria provided. Collection method: clinical testing. Allele origin: germline. Not counted in ClinVar's aggregate classification.
Comment: This variant is classified as likely benign based on ACMG/AMP sequence variant interpretation guidelines (Richards et al. 2015 PMID: 25741868, with internal and published modifications).